The following is an entry in ClinVar:

ClinVar aggregate classification (germline): Benign. Review status: criteria provided, multiple submitters, no conflicts (2 of 4 stars). 3 submissions from 3 submitters: Benign (2). 1 of the submissions does not count toward it. Last evaluated 2019-12-31.

Conditions:
STARD9-related disorder. Also called: STARD9-related condition.

Allele frequency attached by ClinVar (database versions not stated): ESP Exome Variant Server 0.00088; ExAC 0.00183; gnomAD exomes 0.00364 and 0.02342; gnomAD 0.00752 and 0.00787; 1000 Genomes Project 30x 0.01390; 1000 Genomes Project 0.01438; TOPMed 0.01569.
gnomAD v4.1: 6,260 of 1,537,708 alleles (0.41%); highest among the groups gnomAD compares: Admixed American, 10%; 369 homozygotes.

Submissions (3):

Labcorp Genetics (formerly Invitae), Labcorp
Classification: Benign. Last evaluated: 2019-12-31. Review status: criteria provided, single submitter. Criteria: Invitae Variant Classification Sherloc (09022015). Collection method: clinical testing. Allele origin: germline.

Breakthrough Genomics
Classification: Benign. Review status: criteria provided, single submitter. Criteria: ACMG Guidelines, 2015. Collection method: not provided. Allele origin: germline. Inheritance: Unknown mechanism. Affected: yes.

PreventionGenetics, part of Exact Sciences
Classification: Benign for STARD9-related condition. Last evaluated: 2019-04-23. Review status: no assertion criteria provided. Collection method: clinical testing. Allele origin: germline. Not counted in ClinVar's aggregate classification.
Comment: This variant is classified as benign based on ACMG/AMP sequence variant interpretation guidelines (Richards et al. 2015 PMID: 25741868, with internal and published modifications).

NM_020759.3(STARD9):c.4650T>A (p.His1550Gln)

Gene: STARD9 (StAR related lipid transfer domain containing 9; plus strand). Cytogenetic location: 15q15.2.
Variant type: single nucleotide variant.
Coding change: c.4650T>A on transcript NM_020759.3 (MANE Select); coding-DNA position 4650, T replaced by A.
Protein change: p.His1550Gln; replaces histidine 1550 with glutamine.
Molecular consequence: missense variant.
Genome position (GRCh38, 1-based): chr15:42,686,228, T>A. VCF-style: chr15-42686228-T-A. GRCh37 (hg19) VCF-style: chr15-42978426-T-A.
Other names: short protein forms H1550Q.
Identifiers: ClinVar variation 769878 (VCV000769878.7), dbSNP rs117842035, ClinGen allele CA7514343.